The following is an entry in ClinVar:

ClinVar aggregate classification (germline): Uncertain significance. Review status: criteria provided, multiple submitters, no conflicts (2 of 4 stars). 2 submissions from 2 submitters: Uncertain significance (2). Last evaluated 2025-09-23.

Allele frequency attached by ClinVar (database versions not stated): ExAC 0.00015; 1000 Genomes Project 30x 0.00016; gnomAD 0.00017; 1000 Genomes Project 0.00020; TOPMed 0.00020; ESP Exome Variant Server 0.00023.
gnomAD v4.1: 442 of 1,607,858 alleles (0.027%); highest among the groups gnomAD compares: Non-Finnish European, 0.035%; no homozygotes.

Submissions (2):

Labcorp Genetics (formerly Invitae), Labcorp
Classification: Uncertain significance. Last evaluated: 2025-09-23. Review status: criteria provided, single submitter. Criteria: Invitae Variant Classification Sherloc (09022015). Collection method: clinical testing. Allele origin: germline.
Comment: This sequence change replaces glycine, which is neutral and non-polar, with arginine, which is basic and polar, at codon 1709 of the PKD1L1 protein (p.Gly1709Arg). This variant is present in population databases (rs142943207, gnomAD 0.04%). This variant has not been reported in the literature in individuals affected with PKD1L1-related conditions. ClinVar contains an entry for this variant (Variation ID: 2044873). Invitae Evidence Modeling of protein sequence and biophysical properties (such as structural, functional, and spatial information, amino acid conservation, physicochemical variation, residue mobility, and thermodynamic stability) has been performed for this missense variant. However, the output from this modeling did not meet the statistical confidence thresholds required to predict the impact of this variant on PKD1L1 protein function. In summary, the available evidence is currently insufficient to determine the role of this variant in disease. Therefore, it has been classified as a Variant of Uncertain Significance.

GeneDx
Classification: Uncertain significance. Last evaluated: 2022-09-28. Review status: criteria provided, single submitter. Criteria: GeneDx Variant Classification Process June 2021. Collection method: clinical testing. Allele origin: germline. Affected: yes.
Comment: In silico analysis supports that this missense variant has a deleterious effect on protein structure/function; Has not been previously published as pathogenic or benign to our knowledge

NM_138295.5(PKD1L1):c.5125G>C (p.Gly1709Arg)

Gene: PKD1L1 (polycystin 1 like 1, transient receptor potential channel interacting; minus strand). Cytogenetic location: 7p12.3.
Variant type: single nucleotide variant.
Coding change: c.5125G>C on transcript NM_138295.5 (MANE Select); coding-DNA position 5125, G replaced by C.
Protein change: p.Gly1709Arg; replaces glycine 1709 with arginine.
Molecular consequence: missense variant.
Genome position (GRCh38, 1-based): chr7:47,846,907, C>G on the plus strand (G>C on the coding strand, the complement: PKD1L1 is on the minus strand). VCF-style: chr7-47846907-C-G. GRCh37 (hg19) VCF-style: chr7-47886505-C-G.
Other names: c.5125G>C (NM_138295.3); short protein forms G1709R.
Identifiers: ClinVar variation 2044873 (VCV002044873.4), dbSNP rs142943207, ClinGen allele CA4252938.
Genomic context (GRCh38, chr7:47,846,907, plus strand): 5'-AATCTCAGATTCTTTCTCAAATGTGTCTATACCTGCAGTTCACTTTTTCAGGAGAAGTCC[C>G]TGGTTGTGGAGAGAAACGTTCAGATTTCCACTCTCTCTTGTCCCAAAACAGGCATCGGAT-3'
Protein context (NP_612152.1, residues 1699-1719): WKSERFSPQP[Gly1709Arg]TSPEKVNCSY